The following is an entry in ClinVar:

ClinVar aggregate classification (germline): Uncertain significance (1 of 4 stars; one submission).

Conditions:
SH2B1-related disorder. Also called: SH2B1-related condition.

Submission:

PreventionGenetics, part of Exact Sciences
Classification: Uncertain significance for SH2B1-related condition. Last evaluated: 2026-05-07. Review status: criteria provided, single submitter. Criteria: ACMG Guidelines, 2015. Collection method: clinical testing. Allele origin: germline.
Comment: The SH2B1 c.2266G>A variant is predicted to result in the amino acid substitution p.Val756Met. This variant was reported in the heterozygous state in an early-onset obesity cohort (Mohammed et al. 2023. PubMed ID: 37329217). This variant has not been reported in a large population database (gnomAD), indicating this variant is rare. At this time, the clinical significance of this variant is uncertain due to the absence of conclusive functional and genetic evidence.

NM_001387430.1(SH2B1):c.2266G>A (p.Val756Met)

Gene: SH2B1 (SH2B adaptor protein 1; plus strand). Cytogenetic location: 16p11.2.
Variant type: single nucleotide variant.
Coding change: c.2266G>A on transcript NM_001387430.1 (MANE Select); coding-DNA position 2266, G replaced by A.
Protein change: p.Val756Met; replaces valine 756 with methionine.
Molecular consequence: missense variant. On other transcripts: 3 prime UTR variant (5).
Genome position (GRCh38, 1-based): chr16:28,873,815, G>A. VCF-style: chr16-28873815-G-A. GRCh37 (hg19) VCF-style: chr16-28885136-G-A.
Other names: c.2266G>A, p.Val756Met (NM_001145795.2, NM_001308293.2, NM_001387404.1); c.*350G>A (NM_001145796.2, NM_001145812.2, NM_001308294.2 and 1 more transcripts); c.*367G>A (NM_001145797.2); short protein forms V756M.
Identifiers: ClinVar variation 4985275 (VCV004985275.1).
Genomic context (GRCh38, chr16:28,873,815, plus strand): 5'-CTAGGGGGTGATGGAGAGGAAGGGGGCCACCCCAGGGCCATTAACAACCAGTACTCCTTC[G>A]TGTGAGCCAACCCCACCCGCTCCACCCTTTTTAAACCCCCCAGCCCTGCTCGTGAGATTG-3'
Protein context (NP_001374359.1, residues 746-756): PRAINNQYSF[Val756Met]